The following is an entry in ClinVar:

ClinVar aggregate classification (germline): Uncertain significance (1 of 4 stars; one submission).

Conditions:
Supravalvar aortic stenosis (SVAS). Also called: Supravalvar aortic stenosis, Eisenberg type. Identifiers: Orphanet 3193, MedGen C0003499, MONDO:0008504, OMIM 185500, HP:0004381.

Allele frequency attached by ClinVar (database versions not stated): ExAC 0.00001; gnomAD 0.00001; gnomAD exomes 0.00001; 1000 Genomes Project 0.00020; 1000 Genomes Project 30x 0.00031.

Submission:

Labcorp Genetics (formerly Invitae), Labcorp
Classification: Uncertain significance for Supravalvar aortic stenosis. Last evaluated: 2022-06-27. Review status: criteria provided, single submitter. Criteria: Invitae Variant Classification Sherloc (09022015). Collection method: clinical testing. Allele origin: germline.
Comment: In summary, the available evidence is currently insufficient to determine the role of this variant in disease. Therefore, it has been classified as a Variant of Uncertain Significance. Algorithms developed to predict the effect of missense changes on protein structure and function are either unavailable or do not agree on the potential impact of this missense change (SIFT: "Tolerated"; PolyPhen-2: "Not Available"; Align-GVGD: "Class C0"). This variant has not been reported in the literature in individuals affected with ELN-related conditions. This variant is present in population databases (rs55951999, gnomAD 0.003%). This sequence change replaces glycine, which is neutral and non-polar, with valine, which is neutral and non-polar, at codon 40 of the ELN protein (p.Gly40Val).

NM_000501.4(ELN):c.119G>T (p.Gly40Val)

Gene: ELN (elastin; plus strand). Cytogenetic location: 7q11.23.
Variant type: single nucleotide variant.
Coding change: c.119G>T on transcript NM_000501.4 (MANE Select); coding-DNA position 119, G replaced by T.
Protein change: p.Gly40Val; replaces glycine 40 with valine.
Molecular consequence: missense variant.
Genome position (GRCh38, 1-based): chr7:74,035,400, G>T. VCF-style: chr7-74035400-G-T. GRCh37 (hg19) VCF-style: chr7-73449730-G-T.
Other names: c.119G>T, p.Gly40Val (NM_001081752.3, NM_001081753.3, NM_001081754.3 and 9 more transcripts); short protein forms G40V.
Identifiers: ClinVar variation 1400707 (VCV001400707.7), dbSNP rs55951999, ClinGen allele CA4292264.